The following is an entry in ClinVar:

NM_006950.3(SYN1):c.939C>T (p.Asp313=)

Gene: SYN1 (synapsin I; minus strand). Cytogenetic location: Xp11.3.
Variant type: single nucleotide variant.
Coding change: c.939C>T on transcript NM_006950.3 (MANE Select); coding-DNA position 939, C replaced by T.
Protein change: p.Asp313=; no amino-acid change (aspartic acid 313 retained).
Molecular consequence: synonymous variant.
Genome position (GRCh38, 1-based): chrX:47,576,539, G>A on the plus strand (C>T on the coding strand, the complement: SYN1 is on the minus strand). VCF-style: chrX-47576539-G-A. GRCh37 (hg19) VCF-style: chrX-47435938-G-A.
Other names: c.939C>T, p.Asp313= (NM_133499.2).
Identifiers: ClinVar variation 465102 (VCV000465102.15), dbSNP rs373928763, ClinGen allele CA10398450.

ClinVar aggregate classification (germline): Likely benign. Review status: criteria provided, multiple submitters, no conflicts (2 of 4 stars). 3 submissions from 3 submitters: Likely benign (3). Last evaluated 2025-11-25.

Conditions:
History of neurodevelopmental disorder. Identifiers: MedGen C2711754.
Epilepsy, X-linked 1, with variable learning disabilities and behavior disorders. Also called: X-linked epilepsy-learning disabilities-behavior disorders syndrome. Identifiers: Orphanet 85294, MedGen C5774177, MONDO:0010339, OMIM 300491.

Allele frequency attached by ClinVar (database versions not stated): ExAC 0.00010; gnomAD exomes 0.00015; ESP Exome Variant Server 0.00019; gnomAD 0.00020 and 0.00021; 1000 Genomes Project 30x 0.00021; TOPMed 0.00021; 1000 Genomes Project 0.00026.
gnomAD v4.1: 476 of 1,210,166 alleles (0.039%); highest among the groups gnomAD compares: Non-Finnish European, 0.049%; no homozygotes.

Submissions (3):

Labcorp Genetics (formerly Invitae), Labcorp
Classification: Likely benign for Epilepsy, X-linked 1, with variable learning disabilities and behavior disorders. Last evaluated: 2025-11-25. Review status: criteria provided, single submitter. Criteria: Invitae Variant Classification Sherloc (09022015). Collection method: clinical testing. Allele origin: germline.

Blueprint Genetics
Classification: Likely benign. Last evaluated: 2024-07-30. Review status: criteria provided, single submitter. Criteria: ACMG Guidelines, 2015. Collection method: clinical testing. Allele origin: germline.

Ambry Genetics
Classification: Likely benign for History of neurodevelopmental disorder. Last evaluated: 2016-12-12. Review status: criteria provided, single submitter. Criteria: Ambry Autosomal Dominant and X-Linked criteria (10/2015). Collection method: clinical testing. Allele origin: germline. Observed: 1 variant allele.
Comment: Synonymous alterations with insufficient evidence to classify as benign